The following is an entry in ClinVar:

NM_198252.3(GSN):c.1171G>A (p.Asp391Asn)

Gene: GSN (gelsolin; plus strand). Cytogenetic location: 9q33.2.
Variant type: single nucleotide variant.
Coding change: c.1171G>A on transcript NM_198252.3 (MANE Select); coding-DNA position 1171, G replaced by A.
Protein change: p.Asp391Asn; replaces aspartic acid 391 with asparagine.
Molecular consequence: missense variant.
Genome position (GRCh38, 1-based): chr9:121,318,860, G>A. VCF-style: chr9-121318860-G-A. GRCh37 (hg19) VCF-style: chr9-124081138-G-A.
Other names: c.1324G>A, p.Asp442Asn (NM_000177.5); c.1171G>A, p.Asp391Asn (NM_001127662.2, NM_001127664.2, NM_001127665.2 and 10 more transcripts); c.1279G>A, p.Asp427Asn (NM_001127663.2); c.1204G>A, p.Asp402Asn (NM_001127666.2, NM_001127667.2, NM_001353063.2 and 13 more transcripts); c.1222G>A, p.Asp408Asn (NM_001258029.2); c.1195G>A, p.Asp399Asn (NM_001258030.2); c.1243G>A, p.Asp415Asn (NM_001353076.2); c.517G>A, p.Asp173Asn (NM_001353078.2); short protein forms D391N, D427N, D415N, D399N, D408N, D173N, D402N, D442N.
Identifiers: ClinVar variation 976634 (VCV000976634.13), dbSNP rs142034230, ClinGen allele CA5221158.

ClinVar aggregate classification (germline): Conflicting classifications of pathogenicity. Review status: criteria provided, conflicting classifications (1 of 4 stars). 4 submissions from 4 submitters: Uncertain significance (1); Benign (1); Likely benign (2). Last evaluated 2025-11-18.

Conditions:
GSN-related disorder. Also called: GSN-related condition.
Finnish type amyloidosis. Also called: Amyloidosis, familial, Finnish type; Meretoja type amyloidosis; Amyloidosis 5; Lattice corneal dystrophy associated with familial systemic amyloidosis; Meretoja's syndrome; Lattice dystrophy of the cornea with hereditary generalized amyloidosis. Identifiers: Orphanet 85448, MedGen C1622345, MONDO:0007097, OMIM 105120.
Inborn genetic diseases. Identifiers: MedGen C0950123, MeSH D030342.

Allele frequency attached by ClinVar (database versions not stated): TOPMed 0.00012; ESP Exome Variant Server 0.00015.
gnomAD v4.1: 211 of 1,613,840 alleles (0.013%); highest among the groups gnomAD compares: Middle Eastern, 0.016%; no homozygotes.

Submissions (4):

Labcorp Genetics (formerly Invitae), Labcorp
Classification: Uncertain significance. Last evaluated: 2025-11-18. Review status: criteria provided, single submitter. Criteria: Invitae Variant Classification Sherloc (09022015). Collection method: clinical testing. Allele origin: germline.
Comment: This sequence change replaces aspartic acid, which is acidic and polar, with asparagine, which is neutral and polar, at codon 442 of the GSN protein (p.Asp442Asn). This variant is present in population databases (rs142034230, gnomAD 0.06%), and has an allele count higher than expected for a pathogenic variant. This variant has not been reported in the literature in individuals affected with GSN-related conditions. ClinVar contains an entry for this variant (Variation ID: 976634). Invitae Evidence Modeling of protein sequence and biophysical properties (such as structural, functional, and spatial information, amino acid conservation, physicochemical variation, residue mobility, and thermodynamic stability) indicates that this missense variant is not expected to disrupt GSN protein function with a negative predictive value of 80%. In summary, the available evidence is currently insufficient to determine the role of this variant in disease. Therefore, it has been classified as a Variant of Uncertain Significance.

PreventionGenetics, part of Exact Sciences
Classification: Likely benign for GSN-related condition. Last evaluated: 2025-04-03. Review status: criteria provided, single submitter. Criteria: ACMG Guidelines, 2015. Collection method: clinical testing. Allele origin: germline.
Comment: This variant is classified as likely benign based on ACMG/AMP sequence variant interpretation guidelines (Richards et al. 2015 PMID: 25741868, with internal and published modifications).

Ambry Genetics
Classification: Likely benign for Inborn genetic diseases. Last evaluated: 2022-03-29. Review status: criteria provided, single submitter. Criteria: Ambry Variant Classification Scheme 2023. Collection method: clinical testing. Allele origin: germline.

Illumina Laboratory Services, Illumina
Classification: Benign for Finnish type amyloidosis. Last evaluated: 2018-01-12. Review status: criteria provided, single submitter. Criteria: ICSL Variant Classification Criteria 13 December 2019. Collection method: clinical testing. Allele origin: germline.
Comment: This variant was observed in the ICSL laboratory as part of a predisposition screen in an ostensibly healthy population. It had not been previously curated by ICSL or reported in the Human Gene Mutation Database (HGMD: prior to June 1st, 2018), and was therefore a candidate for classification through an automated scoring system. Utilizing variant allele frequency, disease prevalence and penetrance estimates, and inheritance mode, an automated score was calculated to assess if this variant is too frequent to cause the disease. Based on the score and internal cut-off values, a variant classified as benign is not then subjected to further curation. The score for this variant resulted in a classification of benign for this disease.